The following is an entry in ClinVar:

NC_012920.1(MT-CO1):m.5973G>A

Gene: MT-CO1 (mitochondrially encoded cytochrome c oxidase I; plus strand).
Variant type: single nucleotide variant.
Genome position: chrM-5973-G-A.
Identifiers: ClinVar variation 692603 (VCV000692603.1), dbSNP rs1556423059, ClinGen allele CA414781060.

ClinVar aggregate classification (germline): Benign (1 of 4 stars; one submission).

Conditions:
Leigh syndrome (NULS). Also called: Leigh's necrotizing encephalopathy; Leigh's disease; Leigh Syndrome (mtDNA deletion); Leigh Disease; Subacute necrotizing encephalopathy; Necrotizing encephalopathy infantile subacute of Leigh. Identifiers: Orphanet 506, MedGen C2931891, MONDO:0009723, OMIM 256000.

Submission:

Wong Mito Lab, Molecular and Human Genetics, Baylor College of Medicine
Classification: Benign for Leigh syndrome. Last evaluated: 2019-10-17. Review status: criteria provided, single submitter. Criteria: Modified ACMG Guidelines (Unpublished). Collection method: clinical testing. Allele origin: germline.
Comment: The NC_012920.1:m.5973G>A (YP_003024028.1:p.Ala24Thr) variant in MTCO1 gene is interpretated to be a Benign variant based on the modified ACMG guidelines (unpublished). This variant meets the following evidence codes: BS1, BS4, BP4